The following is an entry in ClinVar:

ClinVar aggregate classification (germline): Uncertain significance (1 of 4 stars; one submission).

Conditions:
Inborn genetic diseases. Identifiers: MedGen C0950123, MeSH D030342.

Submission:

Ambry Genetics
Classification: Uncertain significance for Inborn genetic diseases. Last evaluated: 2024-11-01. Review status: criteria provided, single submitter. Criteria: Ambry Variant Classification Scheme 2023. Collection method: clinical testing. Allele origin: germline.
Comment: The p.D318V variant (also known as c.953A>T), located in coding exon 9 of the MDH2 gene, results from an A to T substitution at nucleotide position 953. The aspartic acid at codon 318 is replaced by valine, an amino acid with highly dissimilar properties. This amino acid position is conserved. In addition, this alteration is predicted to be tolerated by in silico analysis. Based on the available evidence, the clinical significance of this variant remains unclear.

NM_005918.4(MDH2):c.953A>T (p.Asp318Val)

Gene: MDH2 (malate dehydrogenase 2; plus strand). Cytogenetic location: 7q11.23.
Variant type: single nucleotide variant.
Coding change: c.953A>T on transcript NM_005918.4 (MANE Select); coding-DNA position 953, A replaced by T.
Protein change: p.Asp318Val; replaces aspartic acid 318 with valine.
Molecular consequence: missense variant.
Genome position (GRCh38, 1-based): chr7:76,066,346, A>T. VCF-style: chr7-76066346-A-T. GRCh37 (hg19) VCF-style: chr7-75695664-A-T.
Other names: c.827A>T, p.Asp276Val (NM_001282403.2); c.632A>T, p.Asp211Val (NM_001282404.2); short protein forms D211V, D318V, D276V.
Identifiers: ClinVar variation 3394083 (VCV003394083.1).